The following is an entry in ClinVar:

ClinVar aggregate classification (germline): Uncertain significance. Review status: criteria provided, multiple submitters, no conflicts (2 of 4 stars). 2 submissions from 2 submitters: Uncertain significance (2). Last evaluated 2022-02-10.

Submissions (2):

Labcorp Genetics (formerly Invitae), Labcorp
Classification: Uncertain significance. Last evaluated: 2022-02-10. Review status: criteria provided, single submitter. Criteria: Invitae Variant Classification Sherloc (09022015). Collection method: clinical testing. Allele origin: germline.
Comment: In summary, the available evidence is currently insufficient to determine the role of this variant in disease. Therefore, it has been classified as a Variant of Uncertain Significance. Algorithms developed to predict the effect of missense changes on protein structure and function are either unavailable or do not agree on the potential impact of this missense change (SIFT: "Deleterious"; PolyPhen-2: "Possibly Damaging"; Align-GVGD: "Class C0"). ClinVar contains an entry for this variant (Variation ID: 1307667). This variant has not been reported in the literature in individuals affected with OPHN1-related conditions. This variant is not present in population databases (gnomAD no frequency). This sequence change replaces glutamine, which is neutral and polar, with arginine, which is basic and polar, at codon 186 of the OPHN1 protein (p.Gln186Arg).

GeneDx
Classification: Uncertain significance. Last evaluated: 2019-08-12. Review status: criteria provided, single submitter. Criteria: GeneDx Variant Classification Process June 2021. Collection method: clinical testing. Allele origin: germline. Affected: yes.
Comment: Not observed in large population cohorts (Lek et al., 2016); In silico analysis, which includes protein predictors and evolutionary conservation, supports a deleterious effect; Has not been previously published as pathogenic or benign to our knowledge

NM_002547.3(OPHN1):c.557A>G (p.Gln186Arg)

Gene: OPHN1 (oligophrenin 1; minus strand). Cytogenetic location: Xq12.
Variant type: single nucleotide variant.
Coding change: c.557A>G on transcript NM_002547.3 (MANE Select); coding-DNA position 557, A replaced by G.
Protein change: p.Gln186Arg; replaces glutamine 186 with arginine.
Molecular consequence: missense variant.
Genome position (GRCh38, 1-based): chrX:68,213,902, T>C on the plus strand (A>G on the coding strand, the complement: OPHN1 is on the minus strand). VCF-style: chrX-68213902-T-C. GRCh37 (hg19) VCF-style: chrX-67433744-T-C.
Other names: short protein forms Q186R.
Identifiers: ClinVar variation 1307667 (VCV001307667.9), dbSNP rs2147484700, ClinGen allele CA413434594.